The following is an entry in ClinVar:

ClinVar aggregate classification (germline): Benign. Review status: criteria provided, multiple submitters, no conflicts (2 of 4 stars). 13 submissions from 12 submitters: Benign (10). 3 of the submissions do not count toward it. Last evaluated 2026-02-04.

Conditions:
Disorder of bone. Also called: Bone disease; Bone disorder; Rare bone disease related to a common gene or pathway defect. Identifiers: Orphanet 364803, MedGen C0005940, MONDO:0005381.
Osteogenesis imperfecta (OI). Identifiers: Orphanet 666, MedGen C0029434, MeSH D010013, MONDO:0019019.
Bone mineral density quantitative trait locus 1 (BMND1). Identifiers: MedGen C1866079, OMIM 601884.

Allele frequency attached by ClinVar (database versions not stated): 1000 Genomes Project 30x 0.10868; 1000 Genomes Project 0.11022; gnomAD 0.11597 and 0.11683; ESP Exome Variant Server 0.12165; ExAC 0.13087; TOPMed 0.13172; gnomAD exomes 0.13640 and 0.15284.
gnomAD v4.1: 240,766 of 1,613,820 alleles (15%); highest among the groups gnomAD compares: East Asian, 23%; 19,522 homozygotes.

Submissions (13):

Labcorp Genetics (formerly Invitae), Labcorp
Classification: Benign. Last evaluated: 2026-02-04. Review status: criteria provided, single submitter. Criteria: Invitae Variant Classification Sherloc (09022015). Collection method: clinical testing. Allele origin: germline.

Blueprint Genetics
Classification: Benign. Last evaluated: 2024-11-27. Review status: criteria provided, single submitter. Criteria: ACMG Guidelines, 2015. Collection method: clinical testing. Allele origin: germline.

Mayo Clinic Laboratories, Mayo Clinic
Classification: Benign. Last evaluated: 2022-11-16. Review status: criteria provided, single submitter. Criteria: ACMG Guidelines, 2015. Collection method: clinical testing. Allele origin: germline. Observed: 83 variant alleles.
Comment: BA1, BP4, BP7

Genome Diagnostics Laboratory, The Hospital for Sick Children
Classification: Benign for Osteogenesis imperfecta. Last evaluated: 2022-07-18. Review status: criteria provided, single submitter. Criteria: ACMG Guidelines, 2015. Collection method: clinical testing. Allele origin: germline.

Genome Diagnostics Laboratory, The Hospital for Sick Children
Classification: Benign for Disorder of bone. Last evaluated: 2022-04-06. Review status: criteria provided, single submitter. Criteria: ACMG Guidelines, 2015. Collection method: clinical testing. Allele origin: germline. Affected: yes.
Comment: This missense variant is classified as Benign (ACMG criteria - BA1)

Athena Diagnostics
Classification: Benign. Last evaluated: 2018-05-24. Review status: criteria provided, single submitter. Criteria: Athena Diagnostics Criteria. Collection method: clinical testing. Allele origin: germline.

GeneDx
Classification: Benign. Last evaluated: 2015-03-03. Review status: criteria provided, single submitter. Criteria: GeneDx Variant Classification Process June 2021. Collection method: clinical testing. Allele origin: germline. Affected: yes.
Comment: This variant is associated with the following publications: (PMID: 22511589, 17505772, 16115379)

Eurofins Ntd Llc (ga)
Classification: Benign. Last evaluated: 2014-10-01. Review status: criteria provided, single submitter. Criteria: EGL Classification Definitions 2015. Collection method: clinical testing. Allele origin: germline. Observed: 3 variant alleles, 3 heterozygotes.

Breakthrough Genomics
Classification: Benign. Review status: criteria provided, single submitter. Criteria: ACMG Guidelines, 2015. Collection method: not provided. Allele origin: germline. Inheritance: Autosomal recessive inheritance. Affected: yes.

PreventionGenetics, part of Exact Sciences
Classification: Benign. Review status: criteria provided, single submitter. Criteria: ACMG Guidelines, 2015. Collection method: clinical testing. Allele origin: germline.

OMIM
Classification: Affects for BONE MINERAL DENSITY QUANTITATIVE TRAIT LOCUS 1. Last evaluated: 2004-01-01. Review status: no assertion criteria provided. Collection method: literature only. Allele origin: germline. Not counted in ClinVar's aggregate classification.

Genome Diagnostics Laboratory, Amsterdam University Medical Center
Classification: Benign. Review status: no assertion criteria provided. Collection method: clinical testing. Allele origin: germline. Affected: yes. Study: VKGL Data-share Consensus. Not counted in ClinVar's aggregate classification.

Joint Genome Diagnostic Labs from Nijmegen and Maastricht, Radboudumc and MUMC+
Classification: Benign. Review status: no assertion criteria provided. Collection method: clinical testing. Allele origin: germline. Affected: yes. Study: VKGL Data-share Consensus. Not counted in ClinVar's aggregate classification.

Literature cited by the submitters: PubMed 11793484 (cited by Athena Diagnostics); PubMed 12579474 (cited by Athena Diagnostics); PubMed 14727154 (cited by Athena Diagnostics and OMIM); PubMed 15077203 (cited by Athena Diagnostics); PubMed 15767861 (cited by Athena Diagnostics); PubMed 16679074 (cited by Athena Diagnostics); PubMed 17137849 (cited by Athena Diagnostics); PubMed 17223614 (cited by Athena Diagnostics); PubMed 17306638 (cited by Athena Diagnostics); PubMed 17395706 (cited by Athena Diagnostics); PubMed 17505772 (cited by Athena Diagnostics); PubMed 18588671 (cited by Athena Diagnostics).

NM_002335.4(LRP5):c.2220C>T (p.Asn740=)

Gene: LRP5 (LDL receptor related protein 5; plus strand). Cytogenetic location: 11q13.2.
Variant type: single nucleotide variant.
Coding change: c.2220C>T on transcript NM_002335.4 (MANE Select); coding-DNA position 2220, C replaced by T.
Protein change: p.Asn740=; no amino-acid change (asparagine 740 retained).
Molecular consequence: synonymous variant.
Genome position (GRCh38, 1-based): chr11:68,410,042, C>T. VCF-style: chr11-68410042-C-T. GRCh37 (hg19) VCF-style: chr11-68177510-C-T.
Other names: p.Asn740=; 2220C-T; c.477C>T, p.Asn159= (NM_001291902.2).
Identifiers: ClinVar variation 193639 (VCV000193639.27), dbSNP rs2306862, ClinGen allele CA200700.